The following is an entry in ClinVar:

ClinVar aggregate classification (germline): Conflicting classifications of pathogenicity. Review status: criteria provided, conflicting classifications (1 of 4 stars). 5 submissions from 5 submitters: Uncertain significance (3); Likely benign (2). Last evaluated 2023-10-23.

Conditions:
Hypertrophic cardiomyopathy. Also called: HYPERTROPHIC MYOCARDIOPATHY. Identifiers: Orphanet 217569, MedGen C0007194, MeSH D002312, MONDO:0005045, HP:0001639.
Cardiovascular phenotype. Identifiers: MedGen CN230736.
Cardiomyopathy (CMYO). Also called: Cardiomyopathies. Identifiers: Orphanet 167848, MedGen C0878544, MONDO:0004994, HP:0001638. Inheritance: Various modes of inheritance.

Allele frequency attached by ClinVar (database versions not stated): gnomAD exomes below 0.00001 and 0.00001; gnomAD 0.00001 and 0.00002; TOPMed 0.00002.
gnomAD v4.1: 5 of 1,550,026 alleles (0.00032%); highest among the groups gnomAD compares: African/African-American, 0.0068%; no homozygotes.

Submissions (5):

All of Us Research Program, National Institutes of Health
Classification: Uncertain significance for Hypertrophic cardiomyopathy. Last evaluated: 2023-10-23. Review status: criteria provided, single submitter. Criteria: ACMG Guidelines, 2015. Collection method: clinical testing. Allele origin: germline. Inheritance: Autosomal dominant inheritance. Observed: 2 variant alleles, 2 heterozygotes.
Comment: This variant causes a C to T nucleotide substitution at the -4 position of intron 23 of the MYBPC3 gene. To our knowledge, functional studies have not been reported for this variant. This variant has not been reported in individuals affected with MYBPC3-related disorders in the literature. This variant has been identified in 2/180278 chromosomes in the general population by the Genome Aggregation Database (gnomAD). The available evidence is insufficient to determine the role of this variant in disease conclusively. Therefore, this variant is classified as a Variant of Uncertain Significance.

This study involves interpretation of variants in research participants for the purpose of population health screening. Participant phenotype was not available at the time of variant classification. Additional details can be found in publication PMID: 35346344, PMCID: PMC8962531

Color Diagnostics, LLC DBA Color Health
Classification: Uncertain significance for Cardiomyopathy. Last evaluated: 2023-06-15. Review status: criteria provided, single submitter. Criteria: ACMG Guidelines, 2015. Collection method: clinical testing. Allele origin: germline.
Comment: This variant causes a C to T nucleotide substitution at the -4 position of intron 23 of the MYBPC3 gene. To our knowledge, functional studies have not been reported for this variant. This variant has not been reported in individuals affected with MYBPC3-related disorders in the literature. This variant has been identified in 2/180278 chromosomes in the general population by the Genome Aggregation Database (gnomAD). The available evidence is insufficient to determine the role of this variant in disease conclusively. Therefore, this variant is classified as a Variant of Uncertain Significance.

Labcorp Genetics (formerly Invitae), Labcorp
Classification: Likely benign for Hypertrophic cardiomyopathy. Last evaluated: 2022-12-13. Review status: criteria provided, single submitter. Criteria: Invitae Variant Classification Sherloc (09022015). Collection method: clinical testing. Allele origin: germline.

Ambry Genetics
Classification: Uncertain significance for Cardiovascular phenotype. Last evaluated: 2021-07-07. Review status: criteria provided, single submitter. Criteria: Ambry Variant Classification Scheme 2023. Collection method: clinical testing. Allele origin: germline.
Comment: The c.2309-4C>T intronic variant results from a C to T substitution 4 nucleotides upstream from coding exon 24 in the MYBPC3 gene. This nucleotide position is not well conserved in available vertebrate species. In silico splice site analysis predicts that this alteration will not have any significant effect on splicing. Since supporting evidence is limited at this time, the clinical significance of this alteration remains unclear.

GeneDx
Classification: Likely benign. Last evaluated: 2020-10-15. Review status: criteria provided, single submitter. Criteria: GeneDx Variant Classification Process June 2021. Collection method: clinical testing. Allele origin: germline. Affected: yes.

NM_000256.3(MYBPC3):c.2309-4C>T

Gene: MYBPC3 (myosin binding protein C3; minus strand). Cytogenetic location: 11p11.2.
Variant type: single nucleotide variant.
Coding change: c.2309-4C>T on transcript NM_000256.3 (MANE Select); 4 bases into the intron before coding-DNA position 2309, C replaced by T.
Molecular consequence: intron variant.
Genome position (GRCh38, 1-based): chr11:47,337,798, G>A on the plus strand (C>T on the coding strand, the complement: MYBPC3 is on the minus strand). VCF-style: chr11-47337798-G-A. GRCh37 (hg19) VCF-style: chr11-47359349-G-A.
Identifiers: ClinVar variation 1026413 (VCV001026413.17), dbSNP rs942669152, ClinGen allele CA221689056.
Genomic context (GRCh38, chr11:47,337,798, plus strand): 5'-TGCAGGAGTCCTCTCCCACGTTGCTGATCTTGGGGGCCGCAGGTGCGTCTGGCACGTCTG[G>A]ATGGGGTGGGATGGACCCACATCAGCCCTGCCCCGCTCAGGGCCTTGAGTAACGTTGCTC-3'